The following is an entry in ClinVar:

NM_001164665.2(KIAA1549):c.1646C>T (p.Thr549Met)

Gene: KIAA1549 (KIAA1549; minus strand). Cytogenetic location: 7q34.
Variant type: single nucleotide variant.
Coding change: c.1646C>T on transcript NM_001164665.2 (MANE Select); coding-DNA position 1646, C replaced by T.
Protein change: p.Thr549Met; replaces threonine 549 with methionine.
Molecular consequence: missense variant.
Genome position (GRCh38, 1-based): chr7:138,917,980, G>A on the plus strand (C>T on the coding strand, the complement: KIAA1549 is on the minus strand). VCF-style: chr7-138917980-G-A. GRCh37 (hg19) VCF-style: chr7-138602726-G-A.
Other names: c.1646C>T, p.Thr549Met (NM_020910.3); c.1646C>T (NM_001164665.1); short protein forms T549M.
Identifiers: ClinVar variation 1058693 (VCV001058693.7), dbSNP rs764137081, ClinGen allele CA4506667.
Genomic context (GRCh38, chr7:138,917,980, plus strand): 5'-GATGAGTCAAGGAGAATGCTGGTGATGACCGAGAAAAATGCAGTGGTCACGCTGGATGGC[G>A]TCACTTGGGTTTCAGCAACAGACAAGGAGCCAGCAGTAGGATCAAGTGACGCCGGCACAG-3'
Protein context (NP_001158137.1, residues 539-559): GSLSVAETQV[Thr549Met]PSSVTTAFFS

ClinVar aggregate classification (germline): Conflicting classifications of pathogenicity. Review status: criteria provided, conflicting classifications (1 of 4 stars). 2 submissions from 2 submitters: Uncertain significance (1); Likely benign (1). Last evaluated 2025-04-11.

Conditions:
Inborn genetic diseases. Identifiers: MedGen C0950123, MeSH D030342.

Allele frequency attached by ClinVar (database versions not stated): gnomAD 0.00001; gnomAD exomes 0.00001 and 0.00002; TOPMed 0.00001; ExAC 0.00003.
gnomAD v4.1: 17 of 1,594,346 alleles (0.0011%); highest among the groups gnomAD compares: South Asian, 0.0045%; no homozygotes.

Submissions (2):

Ambry Genetics
Classification: Likely benign for Inborn genetic diseases. Last evaluated: 2025-04-11. Review status: criteria provided, single submitter. Criteria: Ambry Variant Classification Scheme 2023. Collection method: clinical testing. Allele origin: germline.

Labcorp Genetics (formerly Invitae), Labcorp
Classification: Uncertain significance. Last evaluated: 2022-10-28. Review status: criteria provided, single submitter. Criteria: Invitae Variant Classification Sherloc (09022015). Collection method: clinical testing. Allele origin: germline.
Comment: This sequence change replaces threonine, which is neutral and polar, with methionine, which is neutral and non-polar, at codon 549 of the KIAA1549 protein (p.Thr549Met). The frequency data for this variant in the population databases is considered unreliable, as metrics indicate poor data quality at this position in the gnomAD database. This variant has not been reported in the literature in individuals affected with KIAA1549-related conditions. ClinVar contains an entry for this variant (Variation ID: 1058693). Algorithms developed to predict the effect of missense changes on protein structure and function output the following: SIFT: "Tolerated"; PolyPhen-2: "Benign"; Align-GVGD: "Class C0". The methionine amino acid residue is found in multiple mammalian species, which suggests that this missense change does not adversely affect protein function. In summary, the available evidence is currently insufficient to determine the role of this variant in disease. Therefore, it has been classified as a Variant of Uncertain Significance.